The following is an entry in ClinVar:

NM_000095.3(COMP):c.1490-1G>C

Gene: COMP (cartilage oligomeric matrix protein; minus strand). Cytogenetic location: 19p13.11.
Variant type: single nucleotide variant.
Coding change: c.1490-1G>C on transcript NM_000095.3 (MANE Select); the canonical splice acceptor site of the intron before coding-DNA position 1490, G replaced by C.
Molecular consequence: splice acceptor variant.
Genome position (GRCh38, 1-based): chr19:18,785,852, C>G on the plus strand (G>C on the coding strand, the complement: COMP is on the minus strand). VCF-style: chr19-18785852-C-G. GRCh37 (hg19) VCF-style: chr19-18896662-C-G.
Identifiers: ClinVar variation 3365270 (VCV003365270.1).
Genomic context (GRCh38, chr19:18,785,852, plus strand): 5'-TCTTGTCTACCACCTTGTCTGCATCAAAGTCGTCCTGGCACACGTCGCCCACGCCGTCCC[C>G]TGAGAGGTGGGAGACCCCTCGGTGGGCTAAAGTCAGGGCCCGCCCACCGTAGACCCCGCG-3'

ClinVar aggregate classification (germline): Uncertain significance (1 of 4 stars; one submission).

Submission:

GeneDx
Classification: Uncertain significance. Last evaluated: 2023-12-07. Review status: criteria provided, single submitter. Criteria: GeneDx Variant Classification Process June 2021. Collection method: clinical testing. Allele origin: germline. Affected: yes.
Comment: Not observed at significant frequency in large population cohorts (gnomAD); Canonical splice site variant in a gene or region of a gene for which loss of function is not a well-established mechanism of disease; Has not been previously published as pathogenic or benign to our knowledge